The following is an entry in ClinVar:

ClinVar aggregate classification (germline): Uncertain significance (1 of 4 stars; one submission).

Conditions:
Fanconi anemia (FA). Also called: Fanconi's anemia. Identifiers: Orphanet 84, MedGen C0015625, MeSH D005199, MONDO:0019391.

Allele frequency attached by ClinVar (database versions not stated): gnomAD exomes below 0.00001.
gnomAD v4.1: 2 of 1,613,078 alleles (0.00012%); highest among the groups gnomAD compares: Non-Finnish European, 0.00017%; no homozygotes.

Submission:

Labcorp Genetics (formerly Invitae), Labcorp
Classification: Uncertain significance for Fanconi anemia. Last evaluated: 2021-05-28. Review status: criteria provided, single submitter. Criteria: Invitae Variant Classification Sherloc (09022015). Collection method: clinical testing. Allele origin: germline.
Comment: In summary, the available evidence is currently insufficient to determine the role of this variant in disease. Therefore, it has been classified as a Variant of Uncertain Significance. Nucleotide substitutions within the consensus splice site are a relatively common cause of aberrant splicing (PMID: 17576681, 9536098). Algorithms developed to predict the effect of sequence changes on RNA splicing suggest that this variant is not likely to affect RNA splicing, but this prediction has not been confirmed by published transcriptional studies. This variant has not been reported in the literature in individuals with FANCA-related conditions. This variant is not present in population databases (ExAC no frequency). This sequence change falls in intron 29 of the FANCA gene. It does not directly change the encoded amino acid sequence of the FANCA protein. It affects a nucleotide within the consensus splice site of the intron.

Literature cited by the submitters: PubMed 17576681; PubMed 9536098.

NM_000135.4(FANCA):c.2852+3A>G

Gene: FANCA (FA complementation group A; minus strand). Cytogenetic location: 16q24.3.
Variant type: single nucleotide variant.
Coding change: c.2852+3A>G on transcript NM_000135.4 (MANE Select); 3 bases into the intron after coding-DNA position 2852, A replaced by G.
Molecular consequence: intron variant.
Genome position (GRCh38, 1-based): chr16:89,761,946, T>C on the plus strand (A>G on the coding strand, the complement: FANCA is on the minus strand). VCF-style: chr16-89761946-T-C. GRCh37 (hg19) VCF-style: chr16-89828354-T-C.
Other names: c.2852+3A>G (NM_001286167.3).
Identifiers: ClinVar variation 1442104 (VCV001442104.6), dbSNP rs2038966938, ClinGen allele CA2573152887.